The following is an entry in ClinVar:

ClinVar aggregate classification (germline): Uncertain significance (1 of 4 stars; one submission).

Submission:

Labcorp Genetics (formerly Invitae), Labcorp
Classification: Uncertain significance. Last evaluated: 2023-08-17. Review status: criteria provided, single submitter. Criteria: Invitae Variant Classification Sherloc (09022015). Collection method: clinical testing. Allele origin: germline.
Comment: In summary, the available evidence is currently insufficient to determine the role of this variant in disease. Therefore, it has been classified as a Variant of Uncertain Significance. This variant has not been reported in the literature in individuals affected with FAM65B-related conditions. This variant is present in population databases (no rsID available, gnomAD 0.02%). This sequence change creates a premature translational stop signal (p.Arg150*) in the FAM65B gene. It is expected to result in an absent or disrupted protein product. However, the current clinical and genetic evidence is not sufficient to establish whether loss-of-function variants in FAM65B cause disease.

NM_001286445.3(RIPOR2):c.535C>T (p.Arg179Ter)

Gene: RIPOR2 (RHO family interacting cell polarization regulator 2; minus strand). Cytogenetic location: 6p22.3.
Variant type: single nucleotide variant.
Coding change: c.535C>T on transcript NM_001286445.3 (MANE Select); coding-DNA position 535, C replaced by T.
Protein change: p.Arg179Ter; replaces arginine 179 with a stop codon.
Molecular consequence: nonsense.
Genome position (GRCh38, 1-based): chr6:24,865,417, G>A on the plus strand (C>T on the coding strand, the complement: RIPOR2 is on the minus strand). VCF-style: chr6-24865417-G-A. GRCh37 (hg19) VCF-style: chr6-24865645-G-A.
Other names: c.550C>T, p.Arg184Ter (NM_001286446.3); c.448C>T, p.Arg150Ter (NM_001286447.2, NM_001346031.2, NM_001346032.2 and 2 more transcripts); short protein forms R184*, R179*, R150*.
Identifiers: ClinVar variation 2753592 (VCV002753592.3), dbSNP rs1327117674, ClinGen allele CA362981210.